The following is an entry in ClinVar:

NM_001384474.1(LOXHD1):c.3979_3981del (p.Phe1327del)

Gene: LOXHD1 (lipoxygenase homology PLAT domains 1; minus strand). Cytogenetic location: 18q21.1.
Variant type: Deletion.
Coding change: c.3979_3981del on transcript NM_001384474.1 (MANE Select); coding-DNA positions 3979 to 3981, 3 bases deleted (TTC; older notation c.3979_3981delTTC).
Protein change: p.Phe1327del; deletes phenylalanine 1327.
Molecular consequence: inframe deletion.
Genome position (GRCh38, 1-based): chr18:46,538,270-46,538,272, GAA deleted on the plus strand (TTC on the coding strand, the reverse complement: LOXHD1 is on the minus strand); deleting any 3 consecutive bases within chr18:46,538,270-46,538,274 gives the same sequence; the c. name uses the placement nearest the transcript's 3' end. VCF-style (leftmost placement, unchanged base first): chr18-46538269-TGAA-T. GRCh37 (hg19) VCF-style: chr18-44118232-TGAA-T.
Other names: c.646_648del, p.Phe216del (NM_001145472.3); c.358_360del, p.Phe120del (NM_001308013.2); c.3979_3981del, p.Phe1327del (NM_144612.7); short protein forms F1327del, F216del, F120del.
Identifiers: ClinVar variation 5003657 (VCV005003657.1).

ClinVar aggregate classification (germline): Uncertain significance (1 of 4 stars; one submission).

Conditions:
Autosomal recessive nonsyndromic hearing loss 77. Identifiers: Orphanet 90636, MedGen C2746083, MONDO:0013119, OMIM 613079.

Submission:

Myriad Genetics, Inc.
Classification: Uncertain significance for Autosomal recessive nonsyndromic hearing loss 77. Last evaluated: 2026-07-06. Review status: criteria provided, single submitter. Criteria: Myriad Autosomal Dominant, Autosomal Recessive and X-Linked Classification Criteria (2023). Collection method: clinical testing. Allele origin: unknown.
Comment: NM_144612.6(LOXHD1):c.3979_3981delTTC(F1327del) is an in-frame deletion classified as a variant of uncertain significance in the context of nonsyndromic hearing loss, LOXHD1-related. F1327del has not been observed in cases with relevant disease. Relevant functional assessments of this variant are not available in the literature. F1327del has not been observed in referenced population frequency databases. In summary, there is insufficient evidence to classify NM_144612.6(LOXHD1):c.3979_3981delTTC(F1327del) as pathogenic or benign. Please note: this variant was assessed in the context of healthy population screening.